The following is an entry in ClinVar:

NM_017763.6(RNF43):c.1442A>G (p.Asn481Ser)

Gene: RNF43 (ring finger protein 43; minus strand). Cytogenetic location: 17q22.
Variant type: single nucleotide variant.
Coding change: c.1442A>G on transcript NM_017763.6 (MANE Select); coding-DNA position 1442, A replaced by G.
Protein change: p.Asn481Ser; replaces asparagine 481 with serine.
Molecular consequence: missense variant.
Genome position (GRCh38, 1-based): chr17:58,358,334, T>C on the plus strand (A>G on the coding strand, the complement: RNF43 is on the minus strand). VCF-style: chr17-58358334-T-C. GRCh37 (hg19) VCF-style: chr17-56435695-T-C.
Other names: c.1061A>G, p.Asn354Ser (NM_001305545.2); c.1442A>G, p.Asn481Ser (NM_001305544.3); short protein forms N354S, N481S.
Identifiers: ClinVar variation 2889845 (VCV002889845.3), dbSNP rs756604558, ClinGen allele CA8673180.
Genomic context (GRCh38, chr17:58,358,334, plus strand): 5'-AGGGAGCTGCAGAAAGTAGAACTGCTGCCATGGACCCCCTGTAGGCTGATGTCCGTGCAG[T>C]TGACCACAGAGTCACTGGAAGAGCCATGACAGGGCCCTGAGCTGGAGTCACTGGCTGGCC-3'
Protein context (NP_060233.3, residues 471-491): CHGSSSDSVV[Asn481Ser]CTDISLQGVH

ClinVar aggregate classification (germline): Uncertain significance (1 of 4 stars; one submission).

Allele frequency attached by ClinVar (database versions not stated): ExAC 0.00001.
gnomAD v4.1: 1 of 1,614,172 alleles (0.000062%); highest among the groups gnomAD compares: South Asian, 0.0011%; no homozygotes.

Submission:

Labcorp Genetics (formerly Invitae), Labcorp
Classification: Uncertain significance. Last evaluated: 2023-06-09. Review status: criteria provided, single submitter. Criteria: Invitae Variant Classification Sherloc (09022015). Collection method: clinical testing. Allele origin: germline.
Comment: In summary, the available evidence is currently insufficient to determine the role of this variant in disease. Therefore, it has been classified as a Variant of Uncertain Significance. An algorithm developed to predict the effect of missense changes on protein structure and function (PolyPhen-2) suggests that this variant is likely to be disruptive. This variant has not been reported in the literature in individuals affected with RNF43-related conditions. This variant is present in population databases (rs756604558, gnomAD 0.003%). This sequence change replaces asparagine, which is neutral and polar, with serine, which is neutral and polar, at codon 481 of the RNF43 protein (p.Asn481Ser).